The following is an entry in ClinVar:

NM_004370.6(COL12A1):c.7603G>T (p.Ala2535Ser)

Gene: COL12A1 (collagen type XII alpha 1 chain; minus strand). Cytogenetic location: 6q13.
Variant type: single nucleotide variant.
Coding change: c.7603G>T on transcript NM_004370.6 (MANE Select); coding-DNA position 7603, G replaced by T.
Protein change: p.Ala2535Ser; replaces alanine 2535 with serine.
Molecular consequence: missense variant.
Genome position (GRCh38, 1-based): chr6:75,115,878, C>A on the plus strand (G>T on the coding strand, the complement: COL12A1 is on the minus strand). VCF-style: chr6-75115878-C-A. GRCh37 (hg19) VCF-style: chr6-75825594-C-A.
Other names: c.4111G>T, p.Ala1371Ser (NM_080645.3); short protein forms A1371S, A2535S.
Identifiers: ClinVar variation 2148733 (VCV002148733.4), dbSNP rs2533181309, ClinGen allele CA364745361.
Genomic context (GRCh38, chr6:75,115,878, plus strand): 5'-TCCTGTATGCTGAGTAGCTGGGGAAAGACCCTGACTCCAAAGATACTCCTTGTACAGAAG[C>A]AAAATTCTTTTCTGTCAGGTTGTATGCTTCAAGCATTTTAAAACCTTTACATCAGAAAAG-3'
Protein context (NP_004361.3, residues 2525-2545): EAYNLTEKNF[Ala2535Ser]SVQGVSLESG

ClinVar aggregate classification (germline): Uncertain significance (1 of 4 stars; one submission).

Conditions:
Ullrich congenital muscular dystrophy 2 (UCMD2). Identifiers: Orphanet 75840, MedGen C4225314, MONDO:0014654, OMIM 616470.
Bethlem myopathy 2 (BTHLM2). Identifiers: Orphanet 536516, Orphanet 610, MedGen C4225313, MONDO:0034022, OMIM 616471.

Submission:

Labcorp Genetics (formerly Invitae), Labcorp
Classification: Uncertain significance for Bethlem myopathy 2; Ullrich congenital muscular dystrophy 2. Last evaluated: 2022-06-21. Review status: criteria provided, single submitter. Criteria: Invitae Variant Classification Sherloc (09022015). Collection method: clinical testing. Allele origin: germline.
Comment: This variant is not present in population databases (gnomAD no frequency). This sequence change replaces alanine, which is neutral and non-polar, with serine, which is neutral and polar, at codon 2535 of the COL12A1 protein (p.Ala2535Ser). Algorithms developed to predict the effect of missense changes on protein structure and function (SIFT, PolyPhen-2, Align-GVGD) all suggest that this variant is likely to be disruptive. This variant has not been reported in the literature in individuals affected with COL12A1-related conditions. In summary, the available evidence is currently insufficient to determine the role of this variant in disease. Therefore, it has been classified as a Variant of Uncertain Significance.